The following is an entry in ClinVar:

NM_001283009.2(RTEL1):c.3301G>C (p.Ala1101Pro)

Genes: RTEL1 (regulator of telomere elongation helicase 1; plus strand), RTEL1-TNFRSF6B (RTEL1-TNFRSF6B readthrough (NMD candidate); plus strand). Cytogenetic location: 20q13.33.
Variant type: single nucleotide variant.
Coding change: c.3301G>C on transcript NM_001283009.2 (MANE Select); coding-DNA position 3301, G replaced by C.
Protein change: p.Ala1101Pro; replaces alanine 1101 with proline.
Molecular consequence: missense variant. On other transcripts: non-coding transcript variant (1).
Genome position (GRCh38, 1-based): chr20:63,694,932, G>C. VCF-style: chr20-63694932-G-C. GRCh37 (hg19) VCF-style: chr20-62326285-G-C.
Other names: c.2632G>C, p.Ala878Pro (NM_001283010.1); c.3301G>C, p.Ala1101Pro (NM_016434.4); c.3373G>C, p.Ala1125Pro (NM_032957.5); short protein forms A878P, A1125P, A1101P.
Identifiers: ClinVar variation 5028484 (VCV005028484.1).

ClinVar aggregate classification (germline): Uncertain significance (1 of 4 stars; one submission).

Conditions:
Inborn genetic diseases. Identifiers: MedGen C0950123, MeSH D030342.

gnomAD v4.1: 3 of 1,612,572 alleles (0.00019%); highest among the groups gnomAD compares: Non-Finnish European, 0.00025%; no homozygotes.

Submission:

Ambry Genetics
Classification: Uncertain significance for Inborn genetic diseases. Last evaluated: 2026-07-19. Review status: criteria provided, single submitter. Criteria: Ambry Variant Classification Scheme 2023. Collection method: clinical testing. Allele origin: germline.
Comment: The p.A1101P variant (also known as c.3301G>C), located in coding exon 31 of the RTEL1 gene, results from a G to C substitution at nucleotide position 3301. The alanine at codon 1101 is replaced by proline, an amino acid with highly similar properties. This amino acid position is conserved. In addition, the in silico prediction for this alteration is inconclusive. Based on the available evidence, the clinical significance of this variant remains unclear.